The following is an entry in ClinVar:

ClinVar aggregate classification (germline): Pathogenic (1 of 4 stars; one submission).

Conditions:
Legius syndrome. Identifiers: Orphanet 137605, MedGen C1969623, MONDO:0012669, OMIM 611431. Disease mechanism: loss of function.

Submission:

Labcorp Genetics (formerly Invitae), Labcorp
Classification: Pathogenic for Legius syndrome. Last evaluated: 2023-05-17. Review status: criteria provided, single submitter. Criteria: Invitae Variant Classification Sherloc (09022015). Collection method: clinical testing. Allele origin: germline.
Comment: For these reasons, this variant has been classified as Pathogenic. This variant disrupts a region of the SPRED1 protein in which other variant(s) (p.Cys418Alafs*6) have been determined to be pathogenic (PMID: 19920235; Invitae). This suggests that this is a clinically significant region of the protein, and that variants that disrupt it are likely to be disease-causing. This variant has not been reported in the literature in individuals affected with SPRED1-related conditions. This variant is not present in population databases (gnomAD no frequency). This sequence change creates a premature translational stop signal (p.Gln240Argfs*7) in the SPRED1 gene. While this is not anticipated to result in nonsense mediated decay, it is expected to disrupt the last 205 amino acid(s) of the SPRED1 protein.

Literature cited by the submitters: PubMed 19920235.

NM_152594.3(SPRED1):c.719_725del (p.Gln240fs)

Gene: SPRED1 (sprouty related EVH1 domain containing 1; plus strand). Cytogenetic location: 15q14.
Variant type: Deletion.
Coding change: c.719_725del on transcript NM_152594.3 (MANE Select); coding-DNA positions 719 to 725, 7 bases deleted (AAGATGA; older notation c.719_725delAAGATGA).
Protein change: p.Gln240fs; shifts the reading frame from glutamine 240.
Molecular consequence: frameshift variant.
Genome position (GRCh38, 1-based): chr15:38,351,048-38,351,054, AAGATGA deleted. VCF-style (leftmost placement, unchanged base first): chr15-38351047-CAAGATGA-C. GRCh37 (hg19) VCF-style: chr15-38643248-CAAGATGA-C.
Other names: short protein forms Q240fs.
Identifiers: ClinVar variation 2865113 (VCV002865113.3), dbSNP rs2542742417, ClinGen allele CA2739279995.